The following is an entry in ClinVar:

ClinVar aggregate classification (germline): Uncertain significance. Review status: criteria provided, multiple submitters, no conflicts (2 of 4 stars). 2 submissions from 2 submitters: Uncertain significance (2). Last evaluated 2025-09-08.

Conditions:
Hereditary cancer-predisposing syndrome. Also called: Hereditary Cancer Syndrome; Tumor predisposition; Hereditary neoplastic syndrome; Neoplastic Syndromes, Hereditary. Identifiers: Orphanet 140162, MedGen C0027672, MeSH D009386, MONDO:0015356.

Submissions (2):

Labcorp Genetics (formerly Invitae), Labcorp
Classification: Uncertain significance. Last evaluated: 2025-09-08. Review status: criteria provided, single submitter. Criteria: Invitae Variant Classification Sherloc (09022015). Collection method: clinical testing. Allele origin: germline.
Comment: This sequence change replaces isoleucine, which is neutral and non-polar, with valine, which is neutral and non-polar, at codon 175 of the CTNNA1 protein (p.Ile175Val). This variant is not present in population databases (gnomAD no frequency). This variant has not been reported in the literature in individuals affected with CTNNA1-related conditions. ClinVar contains an entry for this variant (Variation ID: 1416894). Invitae Evidence Modeling of protein sequence and biophysical properties (such as structural, functional, and spatial information, amino acid conservation, physicochemical variation, residue mobility, and thermodynamic stability) indicates that this missense variant is not expected to disrupt CTNNA1 protein function with a negative predictive value of 80%. In summary, the available evidence is currently insufficient to determine the role of this variant in disease. Therefore, it has been classified as a Variant of Uncertain Significance.

Ambry Genetics
Classification: Uncertain significance for Hereditary cancer-predisposing syndrome. Last evaluated: 2023-06-08. Review status: criteria provided, single submitter. Criteria: Ambry Variant Classification Scheme 2023. Collection method: clinical testing. Allele origin: germline.
Comment: The p.I175V variant (also known as c.523A>G), located in coding exon 4 of the CTNNA1 gene, results from an A to G substitution at nucleotide position 523. The isoleucine at codon 175 is replaced by valine, an amino acid with highly similar properties. This amino acid position is well conserved in available vertebrate species. In addition, this alteration is predicted to be tolerated by in silico analysis. The evidence for this gene-disease relationship is limited; therefore, the clinical significance of this alteration is unclear.

NM_001903.5(CTNNA1):c.523A>G (p.Ile175Val)

Gene: CTNNA1 (catenin alpha 1; plus strand). Cytogenetic location: 5q31.2.
Variant type: single nucleotide variant.
Coding change: c.523A>G on transcript NM_001903.5 (MANE Select); coding-DNA position 523, A replaced by G.
Protein change: p.Ile175Val; replaces isoleucine 175 with valine.
Molecular consequence: missense variant.
Genome position (GRCh38, 1-based): chr5:138,812,237, A>G. VCF-style: chr5-138812237-A-G. GRCh37 (hg19) VCF-style: chr5-138147926-A-G.
Other names: c.523A>G (NM_001903.2); c.523A>G, p.Ile175Val (NM_001290307.3, NM_001323982.2, NM_001323983.1 and 3 more transcripts); c.214A>G, p.Ile72Val (NM_001290309.3); c.154A>G, p.Ile52Val (NM_001290310.3); short protein forms I175V, I52V, I72V.
Identifiers: ClinVar variation 1416894 (VCV001416894.7), dbSNP rs2149736661, ClinGen allele CA361125259.